The following is an entry in ClinVar:

ClinVar aggregate classification (germline): Uncertain significance (1 of 4 stars; one submission).

gnomAD v4.1: 1 of 1,604,794 alleles (0.000062%); highest among the groups gnomAD compares: Non-Finnish European, 0.000085%; no homozygotes.

Submission:

Ambry Genetics
Classification: Uncertain significance. Last evaluated: 2025-08-23. Review status: criteria provided, single submitter. Criteria: Ambry Variant Classification Scheme 2023. Collection method: clinical testing. Allele origin: germline.
Comment: The p.P1423L variant (also known as c.4268C>T), located in coding exon 19 of the WNK2 gene, results from a C to T substitution at nucleotide position 4268. The proline at codon 1423 is replaced by leucine, an amino acid with similar properties. This amino acid position is conserved. In addition, this alteration is predicted to be tolerated by in silico analysis. Based on the available evidence, the clinical significance of this variant remains unclear.

NM_006648.4(WNK2):c.4268C>T (p.Pro1423Leu)

Gene: WNK2 (WNK lysine deficient protein kinase 2; plus strand). Cytogenetic location: 9q22.31.
Variant type: single nucleotide variant.
Coding change: c.4268C>T on transcript NM_006648.4 (MANE Select); coding-DNA position 4268, C replaced by T.
Protein change: p.Pro1423Leu; replaces proline 1423 with leucine.
Molecular consequence: missense variant.
Genome position (GRCh38, 1-based): chr9:93,289,022, C>T. VCF-style: chr9-93289022-C-T. GRCh37 (hg19) VCF-style: chr9-96051304-C-T.
Other names: c.4379C>T, p.Pro1460Leu (NM_001282394.3); short protein forms P1460L, P1423L.
Identifiers: ClinVar variation 4201804 (VCV004201804.1).